The following is an entry in ClinVar:

ClinVar aggregate classification (germline): Uncertain significance (1 of 4 stars; one submission).

Conditions:
Facioscapulohumeral muscular dystrophy 2 (FSHD2). Also called: FACIOSCAPULOHUMERAL MUSCULAR DYSTROPHY 2, DIGENIC; FSHD2, DIGENIC; MUSCULAR DYSTROPHY, FACIOSCAPULOHUMERAL, TYPE 1B. Identifiers: Orphanet 269, MedGen C1834671, MONDO:0008031, OMIM 158901.

Submission:

Labcorp Genetics (formerly Invitae), Labcorp
Classification: Uncertain significance for Facioscapulohumeral muscular dystrophy 2. Last evaluated: 2024-10-29. Review status: criteria provided, single submitter. Criteria: Invitae Variant Classification Sherloc (09022015). Collection method: clinical testing. Allele origin: germline.
Comment: This sequence change replaces serine, which is neutral and polar, with asparagine, which is neutral and polar, at codon 1928 of the SMCHD1 protein (p.Ser1928Asn). This variant is not present in population databases (gnomAD no frequency). This variant has not been reported in the literature in individuals affected with SMCHD1-related conditions. Invitae Evidence Modeling of protein sequence and biophysical properties (such as structural, functional, and spatial information, amino acid conservation, physicochemical variation, residue mobility, and thermodynamic stability) indicates that this missense variant is not expected to disrupt SMCHD1 protein function with a negative predictive value of 80%. In summary, the available evidence is currently insufficient to determine the role of this variant in disease. Therefore, it has been classified as a Variant of Uncertain Significance.

NM_015295.3(SMCHD1):c.5783G>A (p.Ser1928Asn)

Gene: SMCHD1 (structural maintenance of chromosomes flexible hinge domain containing 1; plus strand). Cytogenetic location: 18p11.32.
Variant type: single nucleotide variant.
Coding change: c.5783G>A on transcript NM_015295.3 (MANE Select); coding-DNA position 5783, G replaced by A.
Protein change: p.Ser1928Asn; replaces serine 1928 with asparagine.
Molecular consequence: missense variant.
Genome position (GRCh38, 1-based): chr18:2,796,012, G>A. VCF-style: chr18-2796012-G-A. GRCh37 (hg19) VCF-style: chr18-2796010-G-A.
Other names: short protein forms S1928N.
Identifiers: ClinVar variation 2813788 (VCV002813788.3), dbSNP rs2510180620, ClinGen allele CA401690774.